The following is an entry in ClinVar:

ClinVar aggregate classification (germline): Uncertain significance. Review status: criteria provided, multiple submitters, no conflicts (2 of 4 stars). 3 submissions from 3 submitters: Uncertain significance (2). 1 of the submissions does not count toward it. Last evaluated 2026-03-12.

Conditions:
ABCA4-related disorder. Also called: ABCA4-related disorders; ABCA4-related condition. Identifiers: MedGen CN239167.
Retinal dystrophy. Also called: Inherited retinal dystrophy. Identifiers: Orphanet 71862, MedGen C0854723, MeSH D058499, MONDO:0019118, HP:0000556.

gnomAD v4.1: 6 of 1,614,040 alleles (0.00037%); highest among the groups gnomAD compares: Non-Finnish European, 0.00051%; no homozygotes.

Submissions (3):

PreventionGenetics, part of Exact Sciences
Classification: Uncertain significance for ABCA4-related condition. Last evaluated: 2026-03-12. Review status: criteria provided, single submitter. Criteria: ACMG Guidelines, 2015. Collection method: clinical testing. Allele origin: germline.
Comment: The ABCA4 c.5851T>C variant is predicted to result in the amino acid substitution p.Ser1951Pro. To our knowledge, this variant has not been reported in the literature. This variant is reported in 0.00088% of alleles in individuals of European (Non-Finnish) descent in gnomAD. At this time, the clinical significance of this variant is uncertain due to the absence of conclusive functional and genetic evidence.

Labcorp Genetics (formerly Invitae), Labcorp
Classification: Uncertain significance. Last evaluated: 2024-09-02. Review status: criteria provided, single submitter. Criteria: Invitae Variant Classification Sherloc (09022015). Collection method: clinical testing. Allele origin: germline.
Comment: This sequence change replaces serine, which is neutral and polar, with proline, which is neutral and non-polar, at codon 1951 of the ABCA4 protein (p.Ser1951Pro). This variant is present in population databases (rs768097538, gnomAD 0.0009%). This variant has not been reported in the literature in individuals affected with ABCA4-related conditions. Invitae Evidence Modeling of protein sequence and biophysical properties (such as structural, functional, and spatial information, amino acid conservation, physicochemical variation, residue mobility, and thermodynamic stability) indicates that this missense variant is not expected to disrupt ABCA4 protein function with a negative predictive value of 95%. In summary, the available evidence is currently insufficient to determine the role of this variant in disease. Therefore, it has been classified as a Variant of Uncertain Significance.

Institute of Human Genetics, Univ. Regensburg, Univ. Regensburg
Classification: Uncertain significance for Retinal dystrophy. Last evaluated: 2022-01-01. Review status: no assertion criteria provided. Criteria: ACMG Guidelines, 2015. Collection method: clinical testing. Allele origin: germline. Affected: yes. Not counted in ClinVar's aggregate classification.

NM_000350.3(ABCA4):c.5851T>C (p.Ser1951Pro)

Gene: ABCA4 (ATP binding cassette subfamily A member 4; minus strand). Cytogenetic location: 1p22.1.
Variant type: single nucleotide variant.
Coding change: c.5851T>C on transcript NM_000350.3 (MANE Select); coding-DNA position 5851, T replaced by C.
Protein change: p.Ser1951Pro; replaces serine 1951 with proline.
Molecular consequence: missense variant.
Genome position (GRCh38, 1-based): chr1:94,008,282, A>G on the plus strand (T>C on the coding strand, the complement: ABCA4 is on the minus strand). VCF-style: chr1-94008282-A-G. GRCh37 (hg19) VCF-style: chr1-94473838-A-G.
Other names: c.5851T>C (NM_000350.2); c.5629T>C, p.Ser1877Pro (NM_001425324.1); short protein forms S1877P, S1951P.
Identifiers: ClinVar variation 3249087 (VCV003249087.4).